The following is an entry in ClinVar:

ClinVar aggregate classification (germline): Uncertain significance. Review status: criteria provided, multiple submitters, no conflicts (2 of 4 stars). 2 submissions from 2 submitters: Uncertain significance (2). Last evaluated 2022-10-13.

Conditions:
Inborn genetic diseases. Identifiers: MedGen C0950123, MeSH D030342.

Allele frequency attached by ClinVar (database versions not stated): ExAC 0.00002; TOPMed 0.00003; gnomAD exomes 0.00009.
gnomAD v4.1: 135 of 1,613,874 alleles (0.0084%); highest among the groups gnomAD compares: Non-Finnish European, 0.011%; no homozygotes.

Submissions (2):

Labcorp Genetics (formerly Invitae), Labcorp
Classification: Uncertain significance. Last evaluated: 2022-10-13. Review status: criteria provided, single submitter. Criteria: Invitae Variant Classification Sherloc (09022015). Collection method: clinical testing. Allele origin: germline.
Comment: In summary, the available evidence is currently insufficient to determine the role of this variant in disease. Therefore, it has been classified as a Variant of Uncertain Significance. Advanced modeling of protein sequence and biophysical properties (such as structural, functional, and spatial information, amino acid conservation, physicochemical variation, residue mobility, and thermodynamic stability) performed at Invitae indicates that this missense variant is expected to disrupt LAMA1 protein function. This variant has not been reported in the literature in individuals affected with LAMA1-related conditions. This variant is present in population databases (rs766323599, gnomAD 0.003%). This sequence change replaces serine, which is neutral and polar, with phenylalanine, which is neutral and non-polar, at codon 2184 of the LAMA1 protein (p.Ser2184Phe).

Ambry Genetics
Classification: Uncertain significance for Inborn genetic diseases. Last evaluated: 2022-09-26. Review status: criteria provided, single submitter. Criteria: Ambry Variant Classification Scheme 2023. Collection method: clinical testing. Allele origin: germline.

NM_005559.4(LAMA1):c.6551C>T (p.Ser2184Phe)

Gene: LAMA1 (laminin subunit alpha 1; minus strand). Cytogenetic location: 18p11.31.
Variant type: single nucleotide variant.
Coding change: c.6551C>T on transcript NM_005559.4 (MANE Select); coding-DNA position 6551, C replaced by T.
Protein change: p.Ser2184Phe; replaces serine 2184 with phenylalanine.
Molecular consequence: missense variant.
Genome position (GRCh38, 1-based): chr18:6,974,975, G>A on the plus strand (C>T on the coding strand, the complement: LAMA1 is on the minus strand). VCF-style: chr18-6974975-G-A. GRCh37 (hg19) VCF-style: chr18-6974974-G-A.
Other names: short protein forms S2184F.
Identifiers: ClinVar variation 1911256 (VCV001911256.6), dbSNP rs766323599, ClinGen allele CA8881188.